The following is an entry in ClinVar:

ClinVar aggregate classification (germline): Uncertain significance. Review status: criteria provided, multiple submitters, no conflicts (2 of 4 stars). 2 submissions from 2 submitters: Uncertain significance (2). Last evaluated 2024-08-08.

Conditions:
Hereditary cancer-predisposing syndrome. Also called: Tumor predisposition; Hereditary neoplastic syndrome; Neoplastic Syndromes, Hereditary; Hereditary Cancer Syndrome. Identifiers: Orphanet 140162, MedGen C0027672, MeSH D009386, MONDO:0015356.

Allele frequency attached by ClinVar (database versions not stated): gnomAD exomes below 0.00001.
gnomAD v4.1: 1 of 1,614,056 alleles (0.000062%); highest among the groups gnomAD compares: Non-Finnish European, 0.000085%; no homozygotes.

Submissions (2):

Labcorp Genetics (formerly Invitae), Labcorp
Classification: Uncertain significance. Last evaluated: 2024-08-08. Review status: criteria provided, single submitter. Criteria: Invitae Variant Classification Sherloc (09022015). Collection method: clinical testing. Allele origin: germline.
Comment: This sequence change replaces asparagine, which is neutral and polar, with serine, which is neutral and polar, at codon 34 of the SMARCB1 protein (p.Asn34Ser). This variant is not present in population databases (gnomAD no frequency). This variant has not been reported in the literature in individuals affected with SMARCB1-related conditions. ClinVar contains an entry for this variant (Variation ID: 1357192). An algorithm developed to predict the effect of missense changes on protein structure and function (PolyPhen-2) suggests that this variant is likely to be tolerated. In summary, the available evidence is currently insufficient to determine the role of this variant in disease. Therefore, it has been classified as a Variant of Uncertain Significance.

Ambry Genetics
Classification: Uncertain significance for Hereditary cancer-predisposing syndrome. Last evaluated: 2022-07-06. Review status: criteria provided, single submitter. Criteria: Ambry Variant Classification Scheme 2023. Collection method: clinical testing. Allele origin: germline.
Comment: The p.N34S variant (also known as c.101A>G), located in coding exon 2 of the SMARCB1 gene, results from an A to G substitution at nucleotide position 101. The asparagine at codon 34 is replaced by serine, an amino acid with highly similar properties. This amino acid position is highly conserved in available vertebrate species. In addition, the in silico prediction for this alteration is inconclusive. Missense and in-frame variants in SMARCB1 are known to cause neurodevelopmental disorders; however, such associations with rhabdoid tumor predisposition syndrome are exceedingly rare (Kosho T et al. Am J Med Genet C Semin Med Genet. 2014 Sep;166C(3):262-75; Eaton KW et al. Pediatr Blood Cancer. 2011 Jan;56(1):7-15). Based on the supporting evidence, the association of this alteration with Coffin-Siris syndrome is unknown; however, the association of this alteration with rhabdoid tumor predisposition syndrome is unlikely.

NM_003073.5(SMARCB1):c.101A>G (p.Asn34Ser)

Gene: SMARCB1 (SWI/SNF related BAF chromatin remodeling complex subunit B1; plus strand). Cytogenetic location: 22q11.23.
Variant type: single nucleotide variant.
Coding change: c.101A>G on transcript NM_003073.5 (MANE Select); coding-DNA position 101, A replaced by G.
Protein change: p.Asn34Ser; replaces asparagine 34 with serine.
Molecular consequence: missense variant.
Genome position (GRCh38, 1-based): chr22:23,791,763, A>G. VCF-style: chr22-23791763-A-G. GRCh37 (hg19) VCF-style: chr22-24133950-A-G.
Other names: c.101A>G, p.Asn34Ser (NM_001007468.3, NM_001317946.2, NM_001362877.2); short protein forms N34S.
Identifiers: ClinVar variation 1357192 (VCV001357192.10), dbSNP rs2145959891, ClinGen allele CA410932344.